The following is an entry in ClinVar:

ClinVar aggregate classification (germline): Uncertain significance. Review status: criteria provided, multiple submitters, no conflicts (2 of 4 stars). 2 submissions from 2 submitters: Uncertain significance (2). Last evaluated 2023-08-01.

gnomAD v4.1: 123 of 1,613,968 alleles (0.0076%); highest among the groups gnomAD compares: Non-Finnish European, 0.0077%; no homozygotes.

Submissions (2):

CeGaT Center for Human Genetics Tuebingen
Classification: Uncertain significance. Last evaluated: 2023-08-01. Review status: criteria provided, single submitter. Criteria: CeGaT Center For Human Genetics Tuebingen Variant Classification Criteria Version 2. Collection method: clinical testing. Allele origin: germline. Affected: yes. Observed: 1 variant allele.
Comment: PITRM1: PM2

Ambry Genetics
Classification: Uncertain significance. Last evaluated: 2023-07-19. Review status: criteria provided, single submitter. Criteria: Ambry Variant Classification Scheme 2023. Collection method: clinical testing. Allele origin: germline.

NM_014889.4(PITRM1):c.1954G>A (p.Val652Met)

Genes: PITRM1 (pitrilysin metallopeptidase 1; minus strand), PITRM1-AS1 (PITRM1 antisense RNA 1; plus strand). Cytogenetic location: 10p15.2.
Variant type: single nucleotide variant.
Coding change: c.1954G>A on transcript NM_014889.4 (MANE Select); coding-DNA position 1954, G replaced by A.
Protein change: p.Val652Met; replaces valine 652 with methionine.
Molecular consequence: missense variant. On other transcripts: non-coding transcript variant (5), intron variant (4).
Genome position (GRCh38, 1-based): chr10:3,148,209, C>T on the plus strand (G>A on the coding strand, the complement: PITRM1 is on the minus strand). VCF-style: chr10-3148209-C-T. GRCh37 (hg19) VCF-style: chr10-3190401-C-T.
Other names: c.1954G>A, p.Val652Met (NM_001242307.2); c.1339G>A, p.Val447Met (NM_001347727.2); c.649G>A, p.Val217Met (NM_001347728.2); c.1930G>A, p.Val644Met (NM_001347729.1); c.1848-472G>A (NM_001347730.1); c.1776-472G>A (NM_001242309.1); c.1257-472G>A (NM_001347726.2); c.1872-472G>A (NM_001347725.2); short protein forms V652M, V217M, V447M, V644M.
Identifiers: ClinVar variation 2591250 (VCV002591250.26), dbSNP rs759961600, ClinGen allele CA5387607.